The following is an entry in ClinVar:

ClinVar aggregate classification (germline): Likely benign. Review status: criteria provided, multiple submitters, no conflicts (2 of 4 stars). 6 submissions from 6 submitters: Likely benign (5). 1 of the submissions does not count toward it. Last evaluated 2026-01-26.

Conditions:
COL9A3-related disorder. Also called: COL9A3-related condition.

Allele frequency attached by ClinVar (database versions not stated): gnomAD exomes 0.00034 and 0.00068; ExAC 0.00036; gnomAD 0.00038 and 0.00039; 1000 Genomes Project 0.00040; TOPMed 0.00047; ESP Exome Variant Server 0.00054.
gnomAD v4.1: 1,049 of 1,611,758 alleles (0.065%); highest among the groups gnomAD compares: Non-Finnish European, 0.082%; no homozygotes.

Submissions (6):

Labcorp Genetics (formerly Invitae), Labcorp
Classification: Likely benign. Last evaluated: 2026-01-26. Review status: criteria provided, single submitter. Criteria: Invitae Variant Classification Sherloc (09022015). Collection method: clinical testing. Allele origin: germline.

Blueprint Genetics
Classification: Likely benign. Last evaluated: 2024-11-07. Review status: criteria provided, single submitter. Criteria: ACMG Guidelines, 2015. Collection method: clinical testing. Allele origin: germline.

CeGaT Center for Human Genetics Tuebingen
Classification: Likely benign. Last evaluated: 2023-01-01. Review status: criteria provided, single submitter. Criteria: CeGaT Center For Human Genetics Tuebingen Variant Classification Criteria Version 2. Collection method: clinical testing. Allele origin: germline. Affected: yes. Observed: 2 variant alleles.
Comment: COL9A3: BP4, BP7

GeneDx
Classification: Likely benign. Last evaluated: 2021-11-22. Review status: criteria provided, single submitter. Criteria: GeneDx Variant Classification Process June 2021. Collection method: clinical testing. Allele origin: germline. Affected: yes.

Breakthrough Genomics
Classification: Likely benign. Review status: criteria provided, single submitter. Criteria: ACMG Guidelines, 2015. Collection method: not provided. Allele origin: germline. Inheritance: Autosomal recessive inheritance. Affected: yes.

PreventionGenetics, part of Exact Sciences
Classification: Likely benign for COL9A3-related condition. Last evaluated: 2019-06-03. Review status: no assertion criteria provided. Collection method: clinical testing. Allele origin: germline. Not counted in ClinVar's aggregate classification.
Comment: This variant is classified as likely benign based on ACMG/AMP sequence variant interpretation guidelines (Richards et al. 2015 PMID: 25741868, with internal and published modifications).

NM_001853.4(COL9A3):c.1749C>T (p.Arg583=)

Gene: COL9A3 (collagen type IX alpha 3 chain; plus strand). Cytogenetic location: 20q13.33.
Variant type: single nucleotide variant.
Coding change: c.1749C>T on transcript NM_001853.4 (MANE Select); coding-DNA position 1749, C replaced by T.
Protein change: p.Arg583=; no amino-acid change (arginine 583 retained).
Molecular consequence: synonymous variant.
Genome position (GRCh38, 1-based): chr20:62,837,228, C>T. VCF-style: chr20-62837228-C-T. GRCh37 (hg19) VCF-style: chr20-61468580-C-T.
Other names: c.1749C>T, p.Arg583= (LRG_1253t1).
Identifiers: ClinVar variation 514682 (VCV000514682.42), dbSNP rs144216578, ClinGen allele CA9950180.